The following is an entry in ClinVar:

NM_000219.6(KCNE1):c.90G>T (p.Leu30=)

Gene: KCNE1 (potassium voltage-gated channel subfamily E regulatory subunit 1; minus strand). Cytogenetic location: 21q22.12.
Variant type: single nucleotide variant.
Coding change: c.90G>T on transcript NM_000219.6 (MANE Select); coding-DNA position 90, G replaced by T.
Protein change: p.Leu30=; no amino-acid change (leucine 30 retained).
Molecular consequence: synonymous variant.
Genome position (GRCh38, 1-based): chr21:34,449,545, C>A on the plus strand (G>T on the coding strand, the complement: KCNE1 is on the minus strand). VCF-style: chr21-34449545-C-A. GRCh37 (hg19) VCF-style: chr21-35821843-C-A.
Other names: c.90G>T, p.Leu30= (NM_001127668.4, NM_001127669.4, NM_001127670.4 and 4 more transcripts).
Identifiers: ClinVar variation 3374022 (VCV003374022.2).
Genomic context (GRCh38, chr21:34,449,545, plus strand): 5'-TACCATGAGGACGTAGAGGGCCTCCAGCTTGCCGTCACTGCTGCGGGGGGACCTGCGGGC[C>A]AGGCCCGACATGTTGCCACCCTGCTGAACTGTCTCCTGCCACAGCTTGGTCAGAAAGGGC-3'
Protein context (NP_000210.2, residues 20-40): TVQQGGNMSG[Leu30=]ARRSPRSSDG

Conditions:
Long QT syndrome 5 (LQT5). Identifiers: Orphanet 101016, Orphanet 768, MedGen C1867904, MONDO:0013372, OMIM 613695.

Submission:

Roden Lab, Vanderbilt University Medical Center
No classification provided (evidence only). Condition: Long QT syndrome 5. Review status: no classification provided. Collection method: in vitro. Allele origin: not applicable. Functional consequence: Effect on ion channel function.
ClinVar note: "not provided" was previously submitted as the classification for the variant. However, the classification appeared to be based only on an observation of functional data so it was converted to no classification on 2025-07-30.